The following is an entry in ClinVar:

ClinVar aggregate classification (germline): Uncertain significance. Review status: criteria provided, multiple submitters, no conflicts (2 of 4 stars). 2 submissions from 2 submitters: Uncertain significance (2). Last evaluated 2025-10-22.

Conditions:
Hereditary cancer-predisposing syndrome. Also called: Tumor predisposition; Neoplastic Syndromes, Hereditary; Hereditary Cancer Syndrome; Hereditary neoplastic syndrome. Identifiers: Orphanet 140162, MedGen C0027672, MeSH D009386, MONDO:0015356.
Multiple endocrine neoplasia, type 1 (MEN1). Also called: MEN I; WERMER SYNDROME; Endocrine adenomatosis multiple; MEN 1; MEA I. Identifiers: Orphanet 652, MedGen C0025267, MeSH D018761, MONDO:0007540, OMIM 131100.

Submissions (2):

Ambry Genetics
Classification: Uncertain significance for Hereditary cancer-predisposing syndrome. Last evaluated: 2025-10-22. Review status: criteria provided, single submitter. Criteria: Ambry Variant Classification Scheme 2023. Collection method: clinical testing. Allele origin: germline.
Comment: The p.V161M variant (also known as c.481G>A), located in coding exon 2 of the MEN1 gene, results from a G to A substitution at nucleotide position 481. The valine at codon 161 is replaced by methionine, an amino acid with highly similar properties. This amino acid position is highly conserved in available vertebrate species. In addition, this alteration is predicted to be deleterious by in silico analysis. Based on the available evidence, the clinical significance of this variant remains unclear.

Labcorp Genetics (formerly Invitae), Labcorp
Classification: Uncertain significance for Multiple endocrine neoplasia, type 1. Last evaluated: 2020-03-09. Review status: criteria provided, single submitter. Criteria: Invitae Variant Classification Sherloc (09022015). Collection method: clinical testing. Allele origin: germline.
Comment: This sequence change replaces valine with methionine at codon 161 of the MEN1 protein (p.Val161Met). The valine residue is highly conserved and there is a small physicochemical difference between valine and methionine. This variant is not present in population databases (ExAC no frequency). This variant has not been reported in the literature in individuals with MEN1-related conditions. Algorithms developed to predict the effect of missense changes on protein structure and function are either unavailable or do not agree on the potential impact of this missense change (SIFT: "Deleterious"; PolyPhen-2: "Probably Damaging"; Align-GVGD: "Class C0"). In summary, the available evidence is currently insufficient to determine the role of this variant in disease. Therefore, it has been classified as a Variant of Uncertain Significance.

NM_001370259.2(MEN1):c.481G>A (p.Val161Met)

Gene: MEN1 (menin 1; minus strand). Cytogenetic location: 11q13.1.
Variant type: single nucleotide variant.
Coding change: c.481G>A on transcript NM_001370259.2 (MANE Select); coding-DNA position 481, G replaced by A.
Protein change: p.Val161Met; replaces valine 161 with methionine.
Molecular consequence: missense variant.
Genome position (GRCh38, 1-based): chr11:64,808,064, C>T on the plus strand (G>A on the coding strand, the complement: MEN1 is on the minus strand). VCF-style: chr11-64808064-C-T. GRCh37 (hg19) VCF-style: chr11-64575536-C-T.
Other names: c.496G>A, p.Val166Met (NM_000244.4, NM_130800.3, NM_130801.3 and 3 more transcripts); c.481G>A, p.Val161Met (NM_001370251.2, NM_001370260.2, NM_001370261.2 and 3 more transcripts); short protein forms V161M, V166M.
Identifiers: ClinVar variation 1061325 (VCV001061325.12), dbSNP rs1268563474, ClinGen allele CA381186170.
Genomic context (GRCh38, chr11:64,808,064, plus strand): 5'-GATCCTCAGACAGGGCGAGGTGGACATCCCGGAGACCCAGGGCCTGGCAGGCCCCAACCA[C>T]AGCAAAGGCCACACCGGAGCTGTCCAATTTGGTGCCTGTGGAAGGGGGAGGTAATGAAAG-3'
Protein context (NP_001357188.2, residues 151-171): KLDSSGVAFA[Val161Met]VGACQALGLR